The following is an entry in ClinVar:

ClinVar aggregate classification (germline): Benign (1 of 4 stars; one submission).

Conditions:
Geroderma osteodysplastica (GO). Also called: WALT DISNEY DWARFISM; Geroderma osteodysplasticum. Identifiers: Orphanet 2078, MedGen C0432255, MONDO:0009271, OMIM 231070.

Allele frequency attached by ClinVar (database versions not stated): gnomAD exomes 0.00824 and 0.01400; ExAC 0.00866; gnomAD 0.05282 and 0.05649; TOPMed 0.05930; 1000 Genomes Project 0.06090; 1000 Genomes Project 30x 0.06371.

Submission:

Illumina Laboratory Services, Illumina
Classification: Benign for Geroderma osteodysplastica. Last evaluated: 2018-01-13. Review status: criteria provided, single submitter. Criteria: ICSL Variant Classification Criteria 13 December 2019. Collection method: clinical testing. Allele origin: germline.
Comment: This variant was observed in the ICSL laboratory as part of a predisposition screen in an ostensibly healthy population. It had not been previously curated by ICSL or reported in the Human Gene Mutation Database (HGMD: prior to June 1st, 2018), and was therefore a candidate for classification through an automated scoring system. Utilizing variant allele frequency, disease prevalence and penetrance estimates, and inheritance mode, an automated score was calculated to assess if this variant is too frequent to cause the disease. Based on the score and internal cut-off values, a variant classified as benign is not then subjected to further curation. The score for this variant resulted in a classification of benign for this disease.

NM_152281.3(GORAB):c.*883G>A

Gene: GORAB (golgin, RAB6 interacting; plus strand). Cytogenetic location: 1q24.2.
Variant type: single nucleotide variant.
Coding change: c.*883G>A on transcript NM_152281.3 (MANE Select); 883 bases downstream of the stop codon, G replaced by A.
Molecular consequence: 3 prime UTR variant. On other transcripts: non-coding transcript variant (1).
Genome position (GRCh38, 1-based): chr1:170,553,345, G>A. VCF-style: chr1-170553345-G-A. GRCh37 (hg19) VCF-style: chr1-170522486-G-A.
Other names: c.*883G>A (NM_001320252.2).
Identifiers: ClinVar variation 293673 (VCV000293673.5), dbSNP rs76509176, ClinGen allele CA1239362.
Genomic context (GRCh38, chr1:170,553,345, plus strand): 5'-TATGTTTTTGATATGTTGGACATGAATTACCCTGTCATGAAGCGTTTAAATTGTTAAAAT[G>A]CTGATTTTCTTATTAGTTTGTTAATTGCCTGTTACTAGTACTTGACCAATACATTGTGCT-3'